The following is an entry in ClinVar:

NM_000301.5(PLG):c.2131T>C (p.Phe711Leu)

Gene: PLG (plasminogen; plus strand). Cytogenetic location: 6q26.
Variant type: single nucleotide variant.
Coding change: c.2131T>C on transcript NM_000301.5 (MANE Select); coding-DNA position 2131, T replaced by C.
Protein change: p.Phe711Leu; replaces phenylalanine 711 with leucine.
Molecular consequence: missense variant.
Genome position (GRCh38, 1-based): chr6:160,752,120, T>C. VCF-style: chr6-160752120-T-C. GRCh37 (hg19) VCF-style: chr6-161173152-T-C.
Other names: short protein forms F711L.
Identifiers: ClinVar variation 3652823 (VCV003652823.2).
Genomic context (GRCh38, chr6:160,752,120, plus strand): 5'-CCTCCTGAATGTGTTTTGGGTGCAGTTGCCATTTCTTTCATCTTTTTAAACACAGGTACT[T>C]TTGGAGCTGGCCTTCTCAAGGAAGCCCAGCTCCCTGTGATTGAGAATAAAGTGTGCAATC-3'
Protein context (NP_000292.1, residues 701-721): ITGWGETQGT[Phe711Leu]GAGLLKEAQL

ClinVar aggregate classification (germline): Uncertain significance (1 of 4 stars; one submission).

Submission:

Labcorp Genetics (formerly Invitae), Labcorp
Classification: Uncertain significance. Last evaluated: 2024-05-09. Review status: criteria provided, single submitter. Criteria: Invitae Variant Classification Sherloc (09022015). Collection method: clinical testing. Allele origin: germline.
Comment: This sequence change replaces phenylalanine, which is neutral and non-polar, with leucine, which is neutral and non-polar, at codon 711 of the PLG protein (p.Phe711Leu). This variant is not present in population databases (gnomAD no frequency). This variant has not been reported in the literature in individuals affected with PLG-related conditions. Advanced modeling of protein sequence and biophysical properties (such as structural, functional, and spatial information, amino acid conservation, physicochemical variation, residue mobility, and thermodynamic stability) performed at Invitae indicates that this missense variant is not expected to disrupt PLG protein function with a negative predictive value of 80%. In summary, the available evidence is currently insufficient to determine the role of this variant in disease. Therefore, it has been classified as a Variant of Uncertain Significance.